The following is an entry in ClinVar:

ClinVar aggregate classification (germline): Uncertain significance (1 of 4 stars; one submission).

Conditions:
Benign neonatal seizures. Also called: Benign familial neonatal epilepsy; Benign familial neonatal seizures; Convulsions benign familial neonatal dominant form; Autosomal dominant form of benign neonatal seizures; Benign neonatal familial convulsions. Identifiers: Orphanet 1949, MedGen C0220669, MONDO:0016027.

Allele frequency attached by ClinVar (database versions not stated): gnomAD 0.00001; gnomAD exomes 0.00001; TOPMed 0.00001.
gnomAD v4.1: 10 of 1,613,046 alleles (0.00062%); highest among the groups gnomAD compares: Non-Finnish European, 0.00076%; no homozygotes.

Submission:

Labcorp Genetics (formerly Invitae), Labcorp
Classification: Uncertain significance for Benign neonatal seizures. Last evaluated: 2025-11-25. Review status: criteria provided, single submitter. Criteria: Invitae Variant Classification Sherloc (09022015). Collection method: clinical testing. Allele origin: germline.
Comment: This sequence change replaces lysine, which is basic and polar, with arginine, which is basic and polar, at codon 535 of the KCNQ3 protein (p.Lys535Arg). This variant is present in population databases (no rsID available, gnomAD 0.002%). This missense change has been observed in individual(s) with neurodevelopmental disorder (PMID: 31238879). ClinVar contains an entry for this variant (Variation ID: 2163044). Invitae Evidence Modeling of protein sequence and biophysical properties (such as structural, functional, and spatial information, amino acid conservation, physicochemical variation, residue mobility, and thermodynamic stability) indicates that this missense variant is not expected to disrupt KCNQ3 protein function with a negative predictive value of 80%. Algorithms developed to predict the effect of sequence changes on RNA splicing suggest that this variant may disrupt the consensus splice site. In summary, the available evidence is currently insufficient to determine the role of this variant in disease. Therefore, it has been classified as a Variant of Uncertain Significance.

Literature cited by the submitters: PubMed 31238879.

NM_004519.4(KCNQ3):c.1604A>G (p.Lys535Arg)

Gene: KCNQ3 (potassium voltage-gated channel subfamily Q member 3; minus strand). Cytogenetic location: 8q24.22.
Variant type: single nucleotide variant.
Coding change: c.1604A>G on transcript NM_004519.4 (MANE Select); coding-DNA position 1604, A replaced by G.
Protein change: p.Lys535Arg; replaces lysine 535 with arginine.
Molecular consequence: missense variant.
Genome position (GRCh38, 1-based): chr8:132,137,981, T>C on the plus strand (A>G on the coding strand, the complement: KCNQ3 is on the minus strand). VCF-style: chr8-132137981-T-C. GRCh37 (hg19) VCF-style: chr8-133150228-T-C.
Other names: c.1244A>G, p.Lys415Arg (NM_001204824.2); short protein forms K415R, K535R.
Identifiers: ClinVar variation 2163044 (VCV002163044.4), dbSNP rs1038934494, ClinGen allele CA185432150.